The following is an entry in ClinVar:

ClinVar aggregate classification (germline): Uncertain significance. Review status: criteria provided, multiple submitters, no conflicts (2 of 4 stars). 2 submissions from 2 submitters: Uncertain significance (2). Last evaluated 2026-01-26.

Allele frequency attached by ClinVar (database versions not stated): ExAC 0.00007; gnomAD exomes 0.00008 and 0.00009; gnomAD 0.00012 and 0.00014; TOPMed 0.00013; ESP Exome Variant Server 0.00015.
gnomAD v4.1: 151 of 1,612,248 alleles (0.0094%); highest among the groups gnomAD compares: Non-Finnish European, 0.012%; no homozygotes.

Submissions (2):

Labcorp Genetics (formerly Invitae), Labcorp
Classification: Uncertain significance. Last evaluated: 2026-01-26. Review status: criteria provided, single submitter. Criteria: Invitae Variant Classification Sherloc (09022015). Collection method: clinical testing. Allele origin: germline.
Comment: This sequence change replaces valine, which is neutral and non-polar, with isoleucine, which is neutral and non-polar, at codon 1132 of the ATRN protein (p.Val1132Ile). This variant is present in population databases (rs200421441, gnomAD 0.01%). This variant has not been reported in the literature in individuals affected with ATRN-related conditions. ClinVar contains an entry for this variant (Variation ID: 1441443). An algorithm developed to predict the effect of missense changes on protein structure and function outputs the following: PolyPhen-2: "Benign". The isoleucine amino acid residue is found in multiple mammalian species, which suggests that this missense change does not adversely affect protein function. In summary, the available evidence is currently insufficient to determine the role of this variant in disease. Therefore, it has been classified as a Variant of Uncertain Significance.

Ambry Genetics
Classification: Uncertain significance. Last evaluated: 2024-11-09. Review status: criteria provided, single submitter. Criteria: Ambry Variant Classification Scheme 2023. Collection method: clinical testing. Allele origin: germline.

NM_139321.3(ATRN):c.3394G>A (p.Val1132Ile)

Gene: ATRN (attractin; plus strand). Cytogenetic location: 20p13.
Variant type: single nucleotide variant.
Coding change: c.3394G>A on transcript NM_139321.3 (MANE Select); coding-DNA position 3394, G replaced by A.
Protein change: p.Val1132Ile; replaces valine 1132 with isoleucine.
Molecular consequence: missense variant.
Genome position (GRCh38, 1-based): chr20:3,594,550, G>A. VCF-style: chr20-3594550-G-A. GRCh37 (hg19) VCF-style: chr20-3575197-G-A.
Other names: c.3394G>A (NM_139321.2); c.3046G>A, p.Val1016Ile (NM_001207047.3); c.3394G>A, p.Val1132Ile (NM_001323332.2, NM_139322.4); short protein forms V1132I, V1016I.
Identifiers: ClinVar variation 1441443 (VCV001441443.8), dbSNP rs200421441, ClinGen allele CA9744517.
Genomic context (GRCh38, chr20:3,594,550, plus strand): 5'-AATGGGCACGCGTCTCTGTGCAACACCAACACGGGCAAGTGCTTCTGCACCACCAAGGGC[G>A]TCAAGGGGGACGAGTGCCAGCTGTGAGTACCATACTCCCTGGACCACCAGGGAGGACCAA-3'
Protein context (NP_647537.1, residues 1122-1142): TGKCFCTTKG[Val1132Ile]KGDECQLCEV